The following is an entry in ClinVar:

NM_001184.4(ATR):c.3115C>T (p.His1039Tyr)

Gene: ATR (ATR checkpoint kinase; minus strand). Cytogenetic location: 3q23.
Variant type: single nucleotide variant.
Coding change: c.3115C>T on transcript NM_001184.4 (MANE Select); coding-DNA position 3115, C replaced by T.
Protein change: p.His1039Tyr; replaces histidine 1039 with tyrosine.
Molecular consequence: missense variant.
Genome position (GRCh38, 1-based): chr3:142,549,535, G>A on the plus strand (C>T on the coding strand, the complement: ATR is on the minus strand). VCF-style: chr3-142549535-G-A. GRCh37 (hg19) VCF-style: chr3-142268377-G-A.
Other names: c.2923C>T, p.His975Tyr (NM_001354579.2); short protein forms H1039Y, H975Y.
Identifiers: ClinVar variation 1358362 (VCV001358362.8), dbSNP rs868780628, ClinGen allele CA84743150.
Genomic context (GRCh38, chr3:142,549,535, plus strand): 5'-TTACCTTCAGATAATGAAGGGCACGTTCTAATTCATCTTTGGAACAAGAACAGACCAAAT[G>A]AGAAAAAATATATTTGAAGTTGTTTATTAAAATCTCTCTACGATTGACATTTAATTGTTT-3'
Protein context (NP_001175.2, residues 1029-1049): LINNFKYIFS[His1039Tyr]LVCSCSKDEL

ClinVar aggregate classification (germline): Uncertain significance (1 of 4 stars; one submission).

Submission:

Labcorp Genetics (formerly Invitae), Labcorp
Classification: Uncertain significance. Last evaluated: 2020-12-21. Review status: criteria provided, single submitter. Criteria: Invitae Variant Classification Sherloc (09022015). Collection method: clinical testing. Allele origin: germline.
Comment: In summary, the available evidence is currently insufficient to determine the role of this variant in disease. Therefore, it has been classified as a Variant of Uncertain Significance. Algorithms developed to predict the effect of missense changes on protein structure and function are either unavailable or do not agree on the potential impact of this missense change (SIFT: "Tolerated"; PolyPhen-2: "Probably Damaging"; Align-GVGD: "Class C0"). This variant has not been reported in the literature in individuals with ATR-related conditions. This variant is not present in population databases (ExAC no frequency). This sequence change replaces histidine with tyrosine at codon 1039 of the ATR protein (p.His1039Tyr). The histidine residue is moderately conserved and there is a moderate physicochemical difference between histidine and tyrosine.